The following is an entry in ClinVar:

ClinVar aggregate classification (germline): Uncertain significance. Review status: criteria provided, multiple submitters, no conflicts (2 of 4 stars). 3 submissions from 3 submitters: Uncertain significance (3). Last evaluated 2025-11-03.

Conditions:
RYR1-related disorder. Also called: RYR1-related disorders; RYR1-related condition. Identifiers: MedGen CN239331.
Malignant hyperthermia, susceptibility to, 1 (MHS1). Also called: Anesthesia related hyperthermia; Malignant hyperpyrexia; Fulminating hyperpyrexia; Pharmacogenic myopathy; RYR1-Related Malignant Hyperthermia Susceptibility; Malignant hyperthermia suceptibility 1. Identifiers: Orphanet 423, MedGen C2930980, MONDO:0007783, OMIM 145600.

Allele frequency attached by ClinVar (database versions not stated): gnomAD exomes below 0.00001; TOPMed 0.00001.
gnomAD v4.1: 7 of 1,614,178 alleles (0.00043%); highest among the groups gnomAD compares: Non-Finnish European, 0.00059%; no homozygotes.

Submissions (3):

Labcorp Genetics (formerly Invitae), Labcorp
Classification: Uncertain significance for RYR1-related disorder. Last evaluated: 2025-11-03. Review status: criteria provided, single submitter. Criteria: Invitae Variant Classification Sherloc (09022015). Collection method: clinical testing. Allele origin: germline.
Comment: This sequence change replaces glutamic acid, which is acidic and polar, with lysine, which is basic and polar, at codon 831 of the RYR1 protein (p.Glu831Lys). This variant is not present in population databases (gnomAD no frequency). This missense change has been observed in individual(s) with RYR1-related myopathy (PMID: 32236737). ClinVar contains an entry for this variant (Variation ID: 590501). Invitae Evidence Modeling of protein sequence and biophysical properties (such as structural, functional, and spatial information, amino acid conservation, physicochemical variation, residue mobility, and thermodynamic stability) indicates that this missense variant is not expected to disrupt RYR1 protein function with a negative predictive value of 95%. In summary, the available evidence is currently insufficient to determine the role of this variant in disease. Therefore, it has been classified as a Variant of Uncertain Significance.

All of Us Research Program, National Institutes of Health
Classification: Uncertain significance for Malignant hyperthermia, susceptibility to, 1. Last evaluated: 2024-01-05. Review status: criteria provided, single submitter. Criteria: ACMG Guidelines, 2015. Collection method: clinical testing. Allele origin: germline. Inheritance: Autosomal dominant inheritance. Observed: 4 variant alleles, 4 heterozygotes.
Comment: This missense variant replaces glutamic acid with lysine at codon 831 of the RYR1 protein. Computational prediction is inconclusive regarding the impact of this variant on protein structure and function (internally defined REVEL score threshold 0.5 < inconclusive < 0.7, PMID: 27666373). To our knowledge, functional studies have not been reported for this variant. This variant has not been reported in individuals affected with RYR1-related disorders in the literature. This variant has not been identified in the general population by the Genome Aggregation Database (gnomAD). The available evidence is insufficient to determine the role of this variant in disease conclusively. Therefore, this variant is classified as a Variant of Uncertain Significance.

This study involves interpretation of variants in research participants for the purpose of population health screening. Participant phenotype was not available at the time of variant classification. Additional details can be found in publication PMID: 35346344, PMCID: PMC8962531

PreventionGenetics, part of Exact Sciences
Classification: Uncertain significance. Last evaluated: 2016-08-19. Review status: criteria provided, single submitter. Criteria: ACMG Guidelines, 2015. Collection method: clinical testing. Allele origin: germline.

Literature cited by the submitters: PubMed 32236737 (cited by Labcorp Genetics (formerly Invitae), Labcorp).

NM_000540.3(RYR1):c.2491G>A (p.Glu831Lys)

Gene: RYR1 (ryanodine receptor 1; plus strand). Cytogenetic location: 19q13.2.
Variant type: single nucleotide variant.
Coding change: c.2491G>A on transcript NM_000540.3 (MANE Select); coding-DNA position 2491, G replaced by A.
Protein change: p.Glu831Lys; replaces glutamic acid 831 with lysine.
Molecular consequence: missense variant.
Genome position (GRCh38, 1-based): chr19:38,460,505, G>A. VCF-style: chr19-38460505-G-A. GRCh37 (hg19) VCF-style: chr19-38951145-G-A.
Other names: c.2491G>A, p.Glu831Lys (NM_001042723.2); short protein forms E831K.
Identifiers: ClinVar variation 590501 (VCV000590501.4), dbSNP rs981293403, ClinGen allele CA308071440.